The following is an entry in ClinVar:

ClinVar aggregate classification (germline): Pathogenic. Review status: criteria provided, multiple submitters, no conflicts (2 of 4 stars). 5 submissions from 5 submitters: Pathogenic (4). 1 of the submissions does not count toward it. Last evaluated 2024-02-14.

Conditions:
Finnish congenital nephrotic syndrome (NPHS1). Also called: NEPHROTIC SYNDROME, TYPE 1. Identifiers: Orphanet 839, MedGen C0403399, MONDO:0009732, OMIM 256300.

Allele frequency attached by ClinVar (database versions not stated): gnomAD exomes below 0.00001; TOPMed below 0.00001; ExAC 0.00001.
gnomAD v4.1: 3 of 1,609,794 alleles (0.00019%); highest among the groups gnomAD compares: Non-Finnish European, 0.00025%; no homozygotes.

Submissions (5):

Baylor Genetics
Classification: Pathogenic for Finnish congenital nephrotic syndrome. Last evaluated: 2024-02-14. Review status: criteria provided, single submitter. Criteria: ACMG Guidelines, 2015. Collection method: clinical testing. Allele origin: unknown.

Labcorp Genetics (formerly Invitae), Labcorp
Classification: Pathogenic. Last evaluated: 2023-03-09. Review status: criteria provided, single submitter. Criteria: Invitae Variant Classification Sherloc (09022015). Collection method: clinical testing. Allele origin: germline.
Comment: For these reasons, this variant has been classified as Pathogenic. Algorithms developed to predict the effect of sequence changes on RNA splicing suggest that this variant may create or strengthen a splice site. ClinVar contains an entry for this variant (Variation ID: 370925). This premature translational stop signal has been observed in individual(s) with congenital nephrotic syndrome (PMID: 20172850). The frequency data for this variant in the population databases is considered unreliable, as metrics indicate poor data quality at this position in the gnomAD database. This sequence change creates a premature translational stop signal (p.Trp289*) in the NPHS1 gene. It is expected to result in an absent or disrupted protein product. Loss-of-function variants in NPHS1 are known to be pathogenic (PMID: 11317351, 11854170, 12039988).

Vasylyeva lab, Texas Tech University Health Sciences Center
Classification: Pathogenic for Finnish congenital nephrotic syndrome. Last evaluated: 2022-03-04. Review status: criteria provided, single submitter. Criteria: ACMG Guidelines, 2015. Collection method: clinical testing. Allele origin: unknown. Affected: yes.

Women's Health and Genetics/Laboratory Corporation of America, LabCorp
Classification: Pathogenic for Finnish congenital nephrotic syndrome. Last evaluated: 2022-03-04. Review status: criteria provided, single submitter. Criteria: LabCorp Variant Classification Summary - May 2015. Collection method: clinical testing. Allele origin: germline.
Comment: Variant summary: NPHS1 c.866G>A (p.Trp289X) results in a premature termination codon, predicted to cause a truncation of the encoded protein or absence of the protein due to nonsense mediated decay, which are commonly known mechanisms for disease. Truncations downstream of this position have been classified as pathogenic by our laboratory. The variant allele was found at a frequency of 4.1e-06 in 245292 control chromosomes (gnomAD). c.866G>A has been reported in the literature in multiple homozygous individuals affected with Nephrotic Syndrome (examples: Cil_2015 and Bucher_2016). These data indicate that the variant is very likely to be associated with disease. One clinical diagnostic laboratory has submitted clinical-significance assessments for this variant to ClinVar after 2014 and classified the variant as likely pathogenic. Based on the evidence outlined above, the variant was classified as pathogenic.

Counsyl
Classification: Likely pathogenic for Finnish congenital nephrotic syndrome. Last evaluated: 2016-05-19. Review status: no assertion criteria provided. Collection method: clinical testing. Allele origin: unknown. Not counted in ClinVar's aggregate classification.

Literature cited by the submitters: PubMed 20172850 (cited by 3 submitters); PubMed 11317351 (cited by Labcorp Genetics (formerly Invitae), Labcorp); PubMed 11854170 (cited by Labcorp Genetics (formerly Invitae), Labcorp); PubMed 12039988 (cited by Labcorp Genetics (formerly Invitae), Labcorp); PubMed 28780565 (cited by Vasylyeva lab, Texas Tech University Health Sciences Center and Women's Health and Genetics/Laboratory Corporation of America, LabCorp); PubMed 25720465 (cited by Vasylyeva lab, Texas Tech University Health Sciences Center and Women's Health and Genetics/Laboratory Corporation of America, LabCorp).

NM_004646.4(NPHS1):c.866G>A (p.Trp289Ter)

Gene: NPHS1 (NPHS1 adhesion molecule, nephrin; minus strand). Cytogenetic location: 19q13.12.
Variant type: single nucleotide variant.
Coding change: c.866G>A on transcript NM_004646.4 (MANE Select); coding-DNA position 866, G replaced by A.
Protein change: p.Trp289Ter; replaces tryptophan 289 with a stop codon.
Molecular consequence: nonsense.
Genome position (GRCh38, 1-based): chr19:35,849,122, C>T on the plus strand (G>A on the coding strand, the complement: NPHS1 is on the minus strand). VCF-style: chr19-35849122-C-T. GRCh37 (hg19) VCF-style: chr19-36340024-C-T.
Other names: short protein forms W289*.
Identifiers: ClinVar variation 370925 (VCV000370925.11), dbSNP rs781584590, ClinGen allele CA9390611.